The following is an entry in ClinVar:

ClinVar aggregate classification (germline): Uncertain significance (1 of 4 stars; one submission).

Conditions:
Inborn genetic diseases. Identifiers: MedGen C0950123, MeSH D030342.

Allele frequency attached by ClinVar (database versions not stated): ExAC 0.00002; gnomAD 0.00005; TOPMed 0.00005; ESP Exome Variant Server 0.00008; 1000 Genomes Project 30x 0.00016; 1000 Genomes Project 0.00020.
gnomAD v4.1: 25 of 1,614,208 alleles (0.0015%); highest among the groups gnomAD compares: African/African-American, 0.029%; no homozygotes.

Submission:

Ambry Genetics
Classification: Uncertain significance for Inborn genetic diseases. Last evaluated: 2023-10-27. Review status: criteria provided, single submitter. Criteria: Ambry Variant Classification Scheme 2023. Collection method: clinical testing. Allele origin: germline.
Comment: The p.P618Q variant (also known as c.1853C>A), located in coding exon 12 of the EPAS1 gene, results from a C to A substitution at nucleotide position 1853. The proline at codon 618 is replaced by glutamine, an amino acid with similar properties. This amino acid position is conserved. In addition, this alteration is predicted to be tolerated by in silico analysis. Since supporting evidence is limited at this time, the clinical significance of this alteration remains unclear.

NM_001430.5(EPAS1):c.1853C>A (p.Pro618Gln)

Gene: EPAS1 (endothelial PAS domain protein 1; plus strand). Cytogenetic location: 2p21.
Variant type: single nucleotide variant.
Coding change: c.1853C>A on transcript NM_001430.5 (MANE Select); coding-DNA position 1853, C replaced by A.
Protein change: p.Pro618Gln; replaces proline 618 with glutamine.
Molecular consequence: missense variant.
Genome position (GRCh38, 1-based): chr2:46,380,525, C>A. VCF-style: chr2-46380525-C-A. GRCh37 (hg19) VCF-style: chr2-46607664-C-A.
Other names: short protein forms P618Q.
Identifiers: ClinVar variation 1781364 (VCV001781364.2), dbSNP rs375421395, ClinGen allele CA1645129.